The following is an entry in ClinVar:

NM_015028.4(TNIK):c.750G>A (p.Ala250=)

Gene: TNIK (TRAF2 and NCK interacting kinase; minus strand). Cytogenetic location: 3q26.2.
Variant type: single nucleotide variant.
Coding change: c.750G>A on transcript NM_015028.4 (MANE Select); coding-DNA position 750, G replaced by A.
Protein change: p.Ala250=; no amino-acid change (alanine 250 retained).
Molecular consequence: synonymous variant.
Genome position (GRCh38, 1-based): chr3:171,175,275, C>T on the plus strand (G>A on the coding strand, the complement: TNIK is on the minus strand). VCF-style: chr3-171175275-C-T. GRCh37 (hg19) VCF-style: chr3-170893064-C-T.
Other names: c.750G>A, p.Ala250= (NM_001161560.3, NM_001161561.3, NM_001161562.3 and 4 more transcripts).
Identifiers: ClinVar variation 791959 (VCV000791959.7), dbSNP rs111810473, ClinGen allele CA2703671.

ClinVar aggregate classification (germline): Benign/Likely benign. Review status: criteria provided, multiple submitters, no conflicts (2 of 4 stars). 2 submissions from 2 submitters: Benign (1); Likely benign (1). Last evaluated 2026-03-01.

Allele frequency attached by ClinVar (database versions not stated): gnomAD exomes 0.00013 and 0.00034; ExAC 0.00046; TOPMed 0.00120; gnomAD 0.00131 and 0.00133; 1000 Genomes Project 0.00140; ESP Exome Variant Server 0.00141; 1000 Genomes Project 30x 0.00187.
gnomAD v4.1: 431 of 1,612,788 alleles (0.027%); highest among the groups gnomAD compares: African/African-American, 0.4%; no homozygotes.

Submissions (2):

CeGaT Center for Human Genetics Tuebingen
Classification: Likely benign. Last evaluated: 2026-03-01. Review status: criteria provided, single submitter. Criteria: CeGaT Center For Human Genetics Tuebingen Variant Classification Criteria Version 2. Collection method: clinical testing. Allele origin: germline. Affected: yes. Observed: 1 variant allele.
Comment: TNIK: BP4, BP7

Labcorp Genetics (formerly Invitae), Labcorp
Classification: Benign. Last evaluated: 2018-06-21. Review status: criteria provided, single submitter. Criteria: Invitae Variant Classification Sherloc (09022015). Collection method: clinical testing. Allele origin: germline.